The following is an entry in ClinVar:

NM_144499.3(GNAT1):c.373C>T (p.Arg125Trp)

Gene: GNAT1 (G protein subunit alpha transducin 1; plus strand). Cytogenetic location: 3p21.31.
Variant type: single nucleotide variant.
Coding change: c.373C>T on transcript NM_144499.3 (MANE Select); coding-DNA position 373, C replaced by T.
Protein change: p.Arg125Trp; replaces arginine 125 with tryptophan.
Molecular consequence: missense variant.
Genome position (GRCh38, 1-based): chr3:50,193,587, C>T. VCF-style: chr3-50193587-C-T. GRCh37 (hg19) VCF-style: chr3-50231020-C-T.
Other names: c.373C>T (NM_144499.2); c.373C>T, p.Arg125Trp (NM_000172.4); short protein forms R125W.
Identifiers: ClinVar variation 1477183 (VCV001477183.9), dbSNP rs540227694, ClinGen allele CA2412545.
Genomic context (GRCh38, chr3:50,193,587, plus strand): 5'-CACATGGCAGACACTATCGAGGAGGGCACGATGCCCAAGGAGATGTCGGACATCATCCAG[C>T]GGCTGTGGAAGGACTCCGGTATCCAGGCCTGTTTTGAGCGCGCCTCGGAGTACCAGCTCA-3'
Protein context (NP_653082.1, residues 115-135): MPKEMSDIIQ[Arg125Trp]LWKDSGIQAC

ClinVar aggregate classification (germline): Uncertain significance. Review status: criteria provided, multiple submitters, no conflicts (2 of 4 stars). 2 submissions from 2 submitters: Uncertain significance (2). Last evaluated 2023-05-24.

Conditions:
Inborn genetic diseases. Identifiers: MedGen C0950123, MeSH D030342.

Allele frequency attached by ClinVar (database versions not stated): gnomAD exomes 0.00001; ExAC 0.00002; 1000 Genomes Project 30x 0.00016; 1000 Genomes Project 0.00020.

Submissions (2):

Labcorp Genetics (formerly Invitae), Labcorp
Classification: Uncertain significance. Last evaluated: 2023-05-24. Review status: criteria provided, single submitter. Criteria: Invitae Variant Classification Sherloc (09022015). Collection method: clinical testing. Allele origin: germline.
Comment: In summary, the available evidence is currently insufficient to determine the role of this variant in disease. Therefore, it has been classified as a Variant of Uncertain Significance. Advanced modeling of protein sequence and biophysical properties (such as structural, functional, and spatial information, amino acid conservation, physicochemical variation, residue mobility, and thermodynamic stability) performed at Invitae indicates that this missense variant is not expected to disrupt GNAT1 protein function. ClinVar contains an entry for this variant (Variation ID: 1477183). This variant has not been reported in the literature in individuals affected with GNAT1-related conditions. This variant is present in population databases (rs540227694, gnomAD 0.006%). This sequence change replaces arginine, which is basic and polar, with tryptophan, which is neutral and slightly polar, at codon 125 of the GNAT1 protein (p.Arg125Trp).

Ambry Genetics
Classification: Uncertain significance for Inborn genetic diseases. Last evaluated: 2022-05-25. Review status: criteria provided, single submitter. Criteria: Ambry Variant Classification Scheme 2023. Collection method: clinical testing. Allele origin: germline.